The following is an entry in ClinVar:

ClinVar aggregate classification (germline): Uncertain significance (1 of 4 stars; one submission).

Conditions:
Leukocyte adhesion deficiency type II. Also called: CONGENITAL DISORDER OF GLYCOSYLATION, TYPE IIc; CDG IIc; Congenital disorder of glycosylation type 2C; CDG 2C; Leukocyte adhesion deficiency type 2; Rambam Hasharon syndrome. Identifiers: Orphanet 2968, Orphanet 99843, MedGen C0398739, MONDO:0009953, OMIM 266265.

Allele frequency attached by ClinVar (database versions not stated): gnomAD exomes 0.00001 and 0.00004; TOPMed 0.00001; ExAC 0.00003.

Submission:

Labcorp Genetics (formerly Invitae), Labcorp
Classification: Uncertain significance for Leukocyte adhesion deficiency type II. Last evaluated: 2021-08-25. Review status: criteria provided, single submitter. Criteria: Invitae Variant Classification Sherloc (09022015). Collection method: clinical testing. Allele origin: germline.
Comment: This sequence change replaces lysine with arginine at codon 136 of the SLC35C1 protein (p.Lys136Arg). The lysine residue is highly conserved and there is a small physicochemical difference between lysine and arginine. This variant is present in population databases (rs766282342, ExAC 0.02%). This variant has not been reported in the literature in individuals affected with SLC35C1-related conditions. Algorithms developed to predict the effect of missense changes on protein structure and function (SIFT, PolyPhen-2, Align-GVGD) all suggest that this variant is likely to be tolerated. Algorithms developed to predict the effect of sequence changes on RNA splicing suggest that this variant may create or strengthen a splice site. In summary, the available evidence is currently insufficient to determine the role of this variant in disease. Therefore, it has been classified as a Variant of Uncertain Significance.

NM_018389.5(SLC35C1):c.407A>G (p.Lys136Arg)

Gene: SLC35C1 (solute carrier family 35 member C1; plus strand). Cytogenetic location: 11p11.2.
Variant type: single nucleotide variant.
Coding change: c.407A>G on transcript NM_018389.5 (MANE Select); coding-DNA position 407, A replaced by G.
Protein change: p.Lys136Arg; replaces lysine 136 with arginine.
Molecular consequence: missense variant.
Genome position (GRCh38, 1-based): chr11:45,806,208, A>G. VCF-style: chr11-45806208-A-G. GRCh37 (hg19) VCF-style: chr11-45827759-A-G.
Other names: c.368A>G, p.Lys123Arg (NM_001145265.2, NM_001145266.2); short protein forms K136R, K123R.
Identifiers: ClinVar variation 1464957 (VCV001464957.4), dbSNP rs766282342, ClinGen allele CA5958238.